The following is an entry in ClinVar:

NM_001321120.2(TBX4):c.1086G>C (p.Val362=)

Gene: TBX4 (T-box transcription factor 4; plus strand). Cytogenetic location: 17q23.2.
Variant type: single nucleotide variant.
Coding change: c.1086G>C on transcript NM_001321120.2 (MANE Select); coding-DNA position 1086, G replaced by C.
Protein change: p.Val362=; no amino-acid change (valine 362 retained).
Molecular consequence: synonymous variant.
Genome position (GRCh38, 1-based): chr17:61,482,961, G>C. VCF-style: chr17-61482961-G-C. GRCh37 (hg19) VCF-style: chr17-59560322-G-C.
Other names: c.1086G>C, p.Val362= (LRG_1206t1); c.1083G>C, p.Val361= (NM_018488.3).
Identifiers: ClinVar variation 324259 (VCV000324259.37), dbSNP rs61739274, ClinGen allele CA8690021.

ClinVar aggregate classification (germline): Benign/Likely benign. Review status: criteria provided, multiple submitters, no conflicts (2 of 4 stars). 4 submissions from 4 submitters: Benign (2); Likely benign (2). Last evaluated 2026-07-01.

Conditions:
Coxopodopatellar syndrome. Also called: Small patella syndrome; ISCHIOCOXOPODOPATELLAR SYNDROME; PATELLA APLASIA, COXA VARA, AND TARSAL SYNOSTOSIS; Congenital coxa vara, patella aplasia and tarsal synostosis; ISCHIOCOXOPODOPATELLAR SYNDROME WITH OR WITHOUT PULMONARY ARTERIAL HYPERTENSION; SCOTT-TAOR SYNDROME. Identifiers: Orphanet 1509, MedGen C1840061, MONDO:0007841, OMIM 147891.

Allele frequency attached by ClinVar (database versions not stated): 1000 Genomes Project 30x 0.00016; 1000 Genomes Project 0.00020; gnomAD 0.00021 and 0.00026; TOPMed 0.00037; ESP Exome Variant Server 0.00046; gnomAD exomes 0.00067; ExAC 0.00069.
gnomAD v4.1: 790 of 1,613,954 alleles (0.049%); highest among the groups gnomAD compares: Middle Eastern, 0.25%; 3 homozygotes.

Submissions (4):

CeGaT Center for Human Genetics Tuebingen
Classification: Likely benign. Last evaluated: 2026-07-01. Review status: criteria provided, single submitter. Criteria: CeGaT Center For Human Genetics Tuebingen Variant Classification Criteria Version 2. Collection method: clinical testing. Allele origin: germline. Affected: yes. Observed: 3 variant alleles.
Comment: TBX4: BP4, BP7

Labcorp Genetics (formerly Invitae), Labcorp
Classification: Benign. Last evaluated: 2025-11-18. Review status: criteria provided, single submitter. Criteria: Invitae Variant Classification Sherloc (09022015). Collection method: clinical testing. Allele origin: germline.

Blueprint Genetics
Classification: Likely benign. Last evaluated: 2024-11-08. Review status: criteria provided, single submitter. Criteria: ACMG Guidelines, 2015. Collection method: clinical testing. Allele origin: germline.

Illumina Laboratory Services, Illumina
Classification: Benign for Coxopodopatellar syndrome. Last evaluated: 2018-01-13. Review status: criteria provided, single submitter. Criteria: ICSL Variant Classification Criteria 13 December 2019. Collection method: clinical testing. Allele origin: germline.
Comment: This variant was observed in the ICSL laboratory as part of a predisposition screen in an ostensibly healthy population. It had not been previously curated by ICSL or reported in the Human Gene Mutation Database (HGMD: prior to June 1st, 2018), and was therefore a candidate for classification through an automated scoring system. Utilizing variant allele frequency, disease prevalence and penetrance estimates, and inheritance mode, an automated score was calculated to assess if this variant is too frequent to cause the disease. Based on the score and internal cut-off values, a variant classified as benign is not then subjected to further curation. The score for this variant resulted in a classification of benign for this disease.